The following is an entry in ClinVar:

NM_201384.3(PLEC):c.2250T>A (p.Ser750Arg)

Gene: PLEC (plectin; minus strand). Cytogenetic location: 8q24.3.
Variant type: single nucleotide variant.
Coding change: c.2250T>A on transcript NM_201384.3 (MANE Select); coding-DNA position 2250, T replaced by A.
Protein change: p.Ser750Arg; replaces serine 750 with arginine.
Molecular consequence: missense variant.
Genome position (GRCh38, 1-based): chr8:143,931,588, A>T on the plus strand (T>A on the coding strand, the complement: PLEC is on the minus strand). VCF-style: chr8-143931588-A-T. GRCh37 (hg19) VCF-style: chr8-145005756-A-T.
Other names: c.2331T>A, p.Ser777Arg (NM_000445.5, NM_001410941.1); c.2208T>A, p.Ser736Arg (NM_201378.4); c.2184T>A, p.Ser728Arg (NM_201379.3); c.2661T>A, p.Ser887Arg (NM_201380.4); c.2154T>A, p.Ser718Arg (NM_201381.3); c.2250T>A, p.Ser750Arg (NM_201382.4); c.2262T>A, p.Ser754Arg (NM_201383.3); short protein forms S718R, S750R, S728R, S736R, S777R, S887R, S754R.
Identifiers: ClinVar variation 2952915 (VCV002952915.3), dbSNP rs2538713318, ClinGen allele CA372576323.

ClinVar aggregate classification (germline): Uncertain significance (1 of 4 stars; one submission).

Conditions:
Epidermolysis bullosa simplex with nail dystrophy (EBS5D). Identifiers: MedGen C4225309, MONDO:0014661, OMIM 616487.
Autosomal recessive limb-girdle muscular dystrophy type 2Q (LGMDR17). Also called: MUSCULAR DYSTROPHY, LIMB-GIRDLE, AUTOSOMAL RECESSIVE 17. Identifiers: Orphanet 254361, MedGen C3150989, MONDO:0013390, OMIM 613723.
Epidermolysis bullosa simplex 5C, with pyloric atresia (EBS5C). Also called: PLEC1-Related Epidermolysis Bullosa with Pyloric Atresia; PLEC-Related Epidermolysis Bullosa with Pyloric Atresia; Epidermolysis bullosa simplex with pyloric atresia. Identifiers: Orphanet 158684, MedGen C2677349, MONDO:0012807, OMIM 612138.
Epidermolysis bullosa simplex 5B, with muscular dystrophy (EBS5B). Also called: Epidermolysis bullosa simplex with muscular dystrophy; EPIDERMOLYSIS BULLOSA SIMPLEX AND LIMB-GIRDLE MUSCULAR DYSTROPHY. Identifiers: Orphanet 257, MedGen C2931072, MONDO:0009181, OMIM 226670.
Epidermolysis bullosa simplex, Ogna type (EBS5A). Also called: EPIDERMOLYSIS BULLOSA SIMPLEX 5A, OGNA TYPE; Pidermolysis bullosa simplex 5A, Ogna type. Identifiers: Orphanet 79401, MedGen C0432317, MONDO:0007555, OMIM 131950.

Submission:

Labcorp Genetics (formerly Invitae), Labcorp
Classification: Uncertain significance for Autosomal recessive limb-girdle muscular dystrophy type 2Q; Epidermolysis bullosa simplex, Ogna type; Epidermolysis bullosa simplex with nail dystrophy; Epidermolysis bullosa simplex 5C, with pyloric atresia; Epidermolysis bullosa simplex 5B, with muscular dystrophy. Last evaluated: 2023-11-16. Review status: criteria provided, single submitter. Criteria: Invitae Variant Classification Sherloc (09022015). Collection method: clinical testing. Allele origin: germline.
Comment: This sequence change replaces serine, which is neutral and polar, with arginine, which is basic and polar, at codon 777 of the PLEC protein (p.Ser777Arg). This variant is not present in population databases (gnomAD no frequency). This variant has not been reported in the literature in individuals affected with PLEC-related conditions. Advanced modeling of protein sequence and biophysical properties (such as structural, functional, and spatial information, amino acid conservation, physicochemical variation, residue mobility, and thermodynamic stability) performed at Invitae indicates that this missense variant is not expected to disrupt PLEC protein function with a negative predictive value of 80%. In summary, the available evidence is currently insufficient to determine the role of this variant in disease. Therefore, it has been classified as a Variant of Uncertain Significance.